The following is an entry in ClinVar:

ClinVar aggregate classification (germline): Uncertain significance. Review status: criteria provided, multiple submitters, no conflicts (2 of 4 stars). 5 submissions from 5 submitters: Uncertain significance (5). Last evaluated 2026-02-05.

Conditions:
ESRRB-related disorder. Also called: ESRRB-related condition.
Autosomal recessive nonsyndromic hearing loss 35. Identifiers: Orphanet 90636, MedGen C1837857, MONDO:0012060, OMIM 608565.

Allele frequency attached by ClinVar (database versions not stated): ExAC 0.00007; gnomAD exomes 0.00008 and 0.00017; gnomAD 0.00012 and 0.00013; TOPMed 0.00014.
gnomAD v4.1: 275 of 1,612,154 alleles (0.017%); highest among the groups gnomAD compares: Non-Finnish European, 0.021%; no homozygotes.

Submissions (5):

GeneDx
Classification: Uncertain significance. Last evaluated: 2026-02-05. Review status: criteria provided, single submitter. Criteria: GeneDx Variant Classification Process June 2021. Collection method: clinical testing. Allele origin: germline.
Comment: In silico analysis suggests that this missense variant does not alter protein structure/function; Has not been previously published as pathogenic or benign to our knowledge

PreventionGenetics, part of Exact Sciences
Classification: Uncertain significance for ESRRB-related condition. Last evaluated: 2024-10-18. Review status: criteria provided, single submitter. Criteria: ACMG Guidelines, 2015. Collection method: clinical testing. Allele origin: germline.
Comment: The ESRRB c.127G>A variant is predicted to result in the amino acid substitution p.Gly43Ser. To our knowledge, this variant has not been reported in the literature. This variant is reported in 0.015% of alleles in individuals of European (Non-Finnish) descent in gnomAD. At this time, the clinical significance of this variant is uncertain due to the absence of conclusive functional and genetic evidence.

Blueprint Genetics
Classification: Uncertain significance. Last evaluated: 2024-06-25. Review status: criteria provided, single submitter. Criteria: ACMG Guidelines, 2015. Collection method: clinical testing. Allele origin: germline.

Labcorp Genetics (formerly Invitae), Labcorp
Classification: Uncertain significance. Last evaluated: 2022-10-17. Review status: criteria provided, single submitter. Criteria: Invitae Variant Classification Sherloc (09022015). Collection method: clinical testing. Allele origin: germline.
Comment: ClinVar contains an entry for this variant (Variation ID: 314482). This variant has not been reported in the literature in individuals affected with ESRRB-related conditions. This variant is present in population databases (rs771730157, gnomAD 0.01%). This sequence change replaces glycine, which is neutral and non-polar, with serine, which is neutral and polar, at codon 43 of the ESRRB protein (p.Gly43Ser). Algorithms developed to predict the effect of missense changes on protein structure and function (SIFT, PolyPhen-2, Align-GVGD) all suggest that this variant is likely to be tolerated. In summary, the available evidence is currently insufficient to determine the role of this variant in disease. Therefore, it has been classified as a Variant of Uncertain Significance.

Illumina Laboratory Services, Illumina
Classification: Uncertain significance for Autosomal recessive nonsyndromic hearing loss 35. Last evaluated: 2018-01-13. Review status: criteria provided, single submitter. Criteria: ICSL Variant Classification Criteria 13 December 2019. Collection method: clinical testing. Allele origin: germline.

NM_001379180.1(ESRRB):c.190G>A (p.Gly64Ser)

Gene: ESRRB (estrogen related receptor beta; plus strand). Cytogenetic location: 14q24.3.
Variant type: single nucleotide variant.
Coding change: c.190G>A on transcript NM_001379180.1 (MANE Select); coding-DNA position 190, G replaced by A.
Protein change: p.Gly64Ser; replaces glycine 64 with serine.
Molecular consequence: missense variant.
Genome position (GRCh38, 1-based): chr14:76,439,480, G>A. VCF-style: chr14-76439480-G-A. GRCh37 (hg19) VCF-style: chr14-76905823-G-A.
Other names: c.127G>A, p.Gly43Ser (NM_004452.4); short protein forms G43S, G64S.
Identifiers: ClinVar variation 314482 (VCV000314482.16), dbSNP rs771730157, ClinGen allele CA7281525.